The following is an entry in ClinVar:

ClinVar aggregate classification (germline): Benign/Likely benign. Review status: criteria provided, multiple submitters, no conflicts (2 of 4 stars). 2 submissions from 2 submitters: Benign (1); Likely benign (1). Last evaluated 2026-01-14.

Conditions:
Melanoma-pancreatic cancer syndrome. Identifiers: Orphanet 404560, MedGen C1838547, MONDO:0011713, OMIM 606719. Disease mechanism: loss of function.
Hereditary cancer-predisposing syndrome. Also called: Neoplastic Syndromes, Hereditary; Tumor predisposition; Hereditary neoplastic syndrome; Hereditary Cancer Syndrome. Identifiers: Orphanet 140162, MedGen C0027672, MeSH D009386, MONDO:0015356.

Submissions (2):

Ambry Genetics
Classification: Likely benign for Hereditary cancer-predisposing syndrome. Last evaluated: 2026-01-14. Review status: criteria provided, single submitter. Criteria: Ambry Variant Classification Scheme 2023. Collection method: clinical testing. Allele origin: germline.

Myriad Genetics, Inc.
Classification: Benign for Melanoma-pancreatic cancer syndrome. Last evaluated: 2025-08-13. Review status: criteria provided, single submitter. Criteria: Myriad Autosomal Dominant, Autosomal Recessive and X-Linked Classification Criteria (2023). Collection method: clinical testing. Allele origin: unknown.
Comment: This variant is considered benign. This variant is a silent/synonymous amino acid change and it is not expected to impact splicing.

NM_000077.5(CDKN2A):c.60G>T (p.Ala20=)

Gene: CDKN2A (cyclin dependent kinase inhibitor 2A; minus strand). Cytogenetic location: 9p21.3.
Variant type: single nucleotide variant.
Coding change: c.60G>T on transcript NM_000077.5; coding-DNA position 60, G replaced by T.
Protein change: p.Ala20=; no amino-acid change (alanine 20 retained).
Molecular consequence: synonymous variant (on NM_000077.6). On other transcripts: intron variant (2).
Genome position (GRCh38, 1-based): chr9:21,974,768, C>A on the plus strand (G>T on the coding strand, the complement: CDKN2A is on the minus strand). VCF-style: chr9-21974768-C-A. GRCh37 (hg19) VCF-style: chr9-21974767-C-A.
Other names: c.60G>T, p.Ala20= (NM_000077.6, NM_001195132.2, NM_058197.5); c.-3-3560G>T (NM_001363763.2); c.194-3560G>T (NM_058195.4).
Identifiers: ClinVar variation 4294197 (VCV004294197.2).
Genomic context (GRCh38, chr9:21,974,768, plus strand): 5'-TGCGTTGGGCAGCGCCCCCGCCTCCAGCAGCGCCCGCACCTCCTCTACCCGACCCCGGGC[C>A]GCGGCCGTGGCCAGCCAGTCAGCCGAAGGCTCCATGCTGCTCCCCGCCGCCGGCTCCATG-3'
Protein context (NP_000068.1, residues 10-30): EPSADWLATA[Ala20=]ARGRVEEVRA